The following is an entry in ClinVar:

NM_003482.4(KMT2D):c.6311del (p.Leu2104fs)

Gene: KMT2D (lysine methyltransferase 2D; minus strand). Cytogenetic location: 12q13.12.
Variant type: Deletion.
Coding change: c.6311del on transcript NM_003482.4 (MANE Select); coding-DNA position 6311, one base deleted (T; older notation c.6311delT).
Protein change: p.Leu2104fs; shifts the reading frame from leucine 2104.
Molecular consequence: frameshift variant.
Genome position (GRCh38, 1-based): chr12:49,041,459, A deleted on the plus strand (T on the coding strand, the reverse complement: KMT2D is on the minus strand). VCF-style (leftmost placement, unchanged base first): chr12-49041458-GA-G. GRCh37 (hg19) VCF-style: chr12-49435241-GA-G.
Other names: short protein forms L2104fs.
Identifiers: ClinVar variation 3865137 (VCV003865137.2).

ClinVar aggregate classification (germline): Pathogenic. Review status: criteria provided, multiple submitters, no conflicts (2 of 4 stars). 2 submissions from 2 submitters: Pathogenic (2). Last evaluated 2025-04-25.

Conditions:
Inborn genetic diseases. Identifiers: MedGen C0950123, MeSH D030342.
KMT2D-related disorder. Also called: KMT2D-Related Disorders.

Submissions (2):

PreventionGenetics, part of Exact Sciences
Classification: Pathogenic for KMT2D-related condition. Last evaluated: 2025-04-25. Review status: criteria provided, single submitter. Criteria: ACMG Guidelines, 2015. Collection method: clinical testing. Allele origin: germline.
Comment: The KMT2D c.6311delT variant is predicted to result in a frameshift and premature protein termination (p.Leu2104Profs*40). To our knowledge, this variant has not been reported in the literature or in a large population database (gnomAD), indicating this variant is rare. Frameshift variants in KMT2D are expected to be pathogenic. This variant is interpreted as pathogenic.

Ambry Genetics
Classification: Pathogenic for Inborn genetic diseases. Last evaluated: 2025-02-24. Review status: criteria provided, single submitter. Criteria: Ambry Variant Classification Scheme 2023. Collection method: clinical testing. Allele origin: germline.
Comment: The c.6311delT (p.L2104Pfs*40) alteration, located in exon 31 (coding exon 31) of the KMT2D gene, consists of a deletion of one nucleotide at position 6311, causing a translational frameshift with a predicted alternate stop codon after 40 amino acids. This alteration is expected to result in loss of function by premature protein truncation or nonsense-mediated mRNA decay. for KMT2D-related Kabuki syndrome; however, its clinical significance for KMT2D-related multiple congenital anomalies disorder is uncertain. This variant was not reported in population-based cohorts in the Genome Aggregation Database (gnomAD). Based on the available evidence, this alteration is classified as pathogenic.